The following is an entry in ClinVar:

NM_001110556.2(FLNA):c.581G>A (p.Ser194Asn)

Gene: FLNA (filamin A; minus strand). Cytogenetic location: Xq28.
Variant type: single nucleotide variant.
Coding change: c.581G>A on transcript NM_001110556.2 (MANE Select); coding-DNA position 581, G replaced by A.
Protein change: p.Ser194Asn; replaces serine 194 with asparagine.
Molecular consequence: missense variant.
Genome position (GRCh38, 1-based): chrX:154,367,883, C>T on the plus strand (G>A on the coding strand, the complement: FLNA is on the minus strand). VCF-style: chrX-154367883-C-T. GRCh37 (hg19) VCF-style: chrX-153596251-C-T.
Other names: c.581G>A, p.Ser194Asn (NM_001456.4); short protein forms S194N.
Identifiers: ClinVar variation 5021925 (VCV005021925.1).

ClinVar aggregate classification (germline): Uncertain significance (1 of 4 stars; one submission).

Conditions:
Familial thoracic aortic aneurysm and aortic dissection (TAAD). Also called: Thoracic aortic aneurysms and dissections. Identifiers: Orphanet 91387, MedGen C4707243, MONDO:0019625.

gnomAD v4.1: 4 of 1,211,291 alleles (0.00033%); highest among the groups gnomAD compares: East Asian, 0.012%; no homozygotes.

Submission:

Ambry Genetics
Classification: Uncertain significance for Familial thoracic aortic aneurysm and aortic dissection. Last evaluated: 2026-06-22. Review status: criteria provided, single submitter. Criteria: Ambry Variant Classification Scheme 2023. Collection method: clinical testing. Allele origin: germline.
Comment: The c.581G>A (p.S194N) alteration is located in exon 3 (coding exon 2) of the FLNA gene. This alteration results from a G to A substitution at nucleotide position 581, causing the serine (S) at amino acid position 194 to be replaced by an asparagine (N). Based on data from gnomAD, the A allele has an overall frequency of 0.001% (1/179900) total alleles studied. The highest observed frequency was 0.007% (1/13530) of East Asian alleles. Based on insufficient or conflicting evidence, the clinical significance of this alteration remains unclear.